The following is an entry in ClinVar:

NM_138694.4(PKHD1):c.1576A>G (p.Ile526Val)

Gene: PKHD1 (PKHD1 ciliary IPT domain containing fibrocystin/polyductin; minus strand). Cytogenetic location: 6p12.2.
Variant type: single nucleotide variant.
Coding change: c.1576A>G on transcript NM_138694.4 (MANE Select); coding-DNA position 1576, A replaced by G.
Protein change: p.Ile526Val; replaces isoleucine 526 with valine.
Molecular consequence: missense variant.
Genome position (GRCh38, 1-based): chr6:52,056,916, T>C on the plus strand (A>G on the coding strand, the complement: PKHD1 is on the minus strand). VCF-style: chr6-52056916-T-C. GRCh37 (hg19) VCF-style: chr6-51921714-T-C.
Other names: c.1576A>G, p.Ile526Val (NM_170724.3); short protein forms I526V.
Identifiers: ClinVar variation 284549 (VCV000284549.37), dbSNP rs142608481, ClinGen allele CA3853516.

ClinVar aggregate classification (germline): Uncertain significance. Review status: criteria provided, multiple submitters, no conflicts (2 of 4 stars). 10 submissions from 10 submitters: Uncertain significance (10). Last evaluated 2026-07-02.

Conditions:
Polycystic kidney disease 4 (PKD4). Also called: POLYCYSTIC KIDNEY DISEASE 4 WITH OR WITHOUT POLYCYSTIC LIVER DISEASE; PKD3; Autosomal Recessive Polycystic Kidney Disease – PKHD1; POLYCYSTIC KIDNEY AND HEPATIC DISEASE 1; POLYCYSTIC KIDNEY DISEASE, INFANTILE, TYPE I. Identifiers: MedGen C4540575, MONDO:0033004, OMIM 263200.
PKHD1-related disorder. Also called: PKHD1-related condition.
Inborn genetic diseases. Identifiers: MedGen C0950123, MeSH D030342.
Autosomal recessive polycystic kidney disease (ARPKD). Also called: AR polycystic kidney disease. Identifiers: Orphanet 731, Orphanet 8378, MedGen C0085548, MeSH D017044, MONDO:0009889.

Allele frequency attached by ClinVar (database versions not stated): ExAC 0.00003; gnomAD exomes 0.00004 and 0.00010; gnomAD 0.00007; TOPMed 0.00009; 1000 Genomes Project 30x 0.00016; 1000 Genomes Project 0.00020; ESP Exome Variant Server 0.00023.
gnomAD v4.1: 158 of 1,613,876 alleles (0.0098%); highest among the groups gnomAD compares: Middle Eastern, 0.099%; no homozygotes.

Submissions (10):

PreventionGenetics, part of Exact Sciences
Classification: Uncertain significance for PKHD1-related condition. Last evaluated: 2026-07-02. Review status: criteria provided, single submitter. Criteria: ACMG Guidelines, 2015. Collection method: clinical testing. Allele origin: germline.
Comment: The PKHD1 c.1576A>G variant is predicted to result in the amino acid substitution p.Ile526Val. To our knowledge, this variant has not been reported in the literature. This variant is reported in 0.012% of alleles in individuals of African descent in gnomAD. At this time, the clinical significance of this variant is uncertain due to the absence of conclusive functional and genetic evidence.

CeGaT Center for Human Genetics Tuebingen
Classification: Uncertain significance. Last evaluated: 2025-12-01. Review status: criteria provided, single submitter. Criteria: CeGaT Center For Human Genetics Tuebingen Variant Classification Criteria Version 2. Collection method: clinical testing. Allele origin: germline. Affected: yes. Observed: 2 variant alleles.
Comment: PKHD1: PM2, BP4

GeneDx
Classification: Uncertain significance. Last evaluated: 2025-05-13. Review status: criteria provided, single submitter. Criteria: GeneDx Variant Classification Process June 2021. Collection method: clinical testing. Allele origin: germline. Affected: yes.
Comment: Not observed at significant frequency in large population cohorts (gnomAD); In silico analysis suggests that this missense variant does not alter protein structure/function; Has not been previously published as pathogenic or benign to our knowledge

Ambry Genetics
Classification: Uncertain significance for Inborn genetic diseases. Last evaluated: 2024-08-11. Review status: criteria provided, single submitter. Criteria: Ambry Variant Classification Scheme 2023. Collection method: clinical testing. Allele origin: germline.

Fulgent Genetics
Classification: Uncertain significance for Polycystic kidney disease 4. Last evaluated: 2024-04-30. Review status: criteria provided, single submitter. Criteria: ACMG Guidelines, 2015. Collection method: clinical testing. Allele origin: germline.

Blueprint Genetics
Classification: Uncertain significance. Last evaluated: 2024-02-14. Review status: criteria provided, single submitter. Criteria: ACMG Guidelines, 2015. Collection method: clinical testing. Allele origin: germline.

Labcorp Genetics (formerly Invitae), Labcorp
Classification: Uncertain significance for Autosomal recessive polycystic kidney disease. Last evaluated: 2022-05-12. Review status: criteria provided, single submitter. Criteria: Invitae Variant Classification Sherloc (09022015). Collection method: clinical testing. Allele origin: germline.
Comment: This sequence change replaces isoleucine, which is neutral and non-polar, with valine, which is neutral and non-polar, at codon 526 of the PKHD1 protein (p.Ile526Val). This variant is present in population databases (rs142608481, gnomAD 0.01%). This variant has not been reported in the literature in individuals affected with PKHD1-related conditions. ClinVar contains an entry for this variant (Variation ID: 284549). Advanced modeling of protein sequence and biophysical properties (such as structural, functional, and spatial information, amino acid conservation, physicochemical variation, residue mobility, and thermodynamic stability) performed at Invitae indicates that this missense variant is not expected to disrupt PKHD1 protein function. In summary, the available evidence is currently insufficient to determine the role of this variant in disease. Therefore, it has been classified as a Variant of Uncertain Significance.

Genome-Nilou Lab
Classification: Uncertain significance for Polycystic kidney disease 4. Last evaluated: 2021-07-22. Review status: criteria provided, single submitter. Criteria: ACMG Guidelines, 2015. Collection method: clinical testing. Allele origin: germline. Affected: no.

Eurofins Ntd Llc (ga)
Classification: Uncertain significance. Last evaluated: 2018-04-09. Review status: criteria provided, single submitter. Criteria: EGL ClinVar v180209 classification definitions. Collection method: clinical testing. Allele origin: germline. Observed: 4 variant alleles, 4 heterozygotes.

Breakthrough Genomics
Classification: Uncertain significance. Review status: criteria provided, single submitter. Criteria: ACMG Guidelines, 2015. Collection method: not provided. Allele origin: germline. Inheritance: Autosomal recessive inheritance. Affected: yes.